The following is an entry in ClinVar:

ClinVar aggregate classification (germline): Pathogenic (1 of 4 stars; one submission).

Conditions:
Nonsyndromic genetic hearing loss. Also called: Non-syndromic genetic deafness; Nonsyndromic hearing loss and deafness; Nonsyndromic genetic deafness. Identifiers: Orphanet 87884, MedGen C5680182, MONDO:0019497.

Submission:

Women's Health and Genetics/Laboratory Corporation of America, LabCorp
Classification: Pathogenic for Nonsyndromic genetic hearing loss. Last evaluated: 2024-09-04. Review status: criteria provided, single submitter. Criteria: LabCorp Variant Classification Summary - May 2015. Collection method: clinical testing. Allele origin: germline.
Comment: Variant summary: TMC1 c.250delA (p.Ile84LeufsX9) results in a premature termination codon, predicted to cause a truncation of the encoded protein or absence of the protein due to nonsense mediated decay, which are commonly known mechanisms for disease. The variant was absent in 247888 control chromosomes. To our knowledge, no occurrence of c.250delA in individuals affected with Nonsyndromic Hearing Loss And Deafness, Type 7 and no experimental evidence demonstrating its impact on protein function have been reported. No submitters have cited clinical-significance assessments for this variant to ClinVar. Based on the evidence outlined above, the variant was classified as pathogenic.

NM_138691.3(TMC1):c.250del (p.Ile84fs)

Gene: TMC1 (transmembrane channel like 1; plus strand). Cytogenetic location: 9q21.13.
Variant type: Deletion.
Coding change: c.250del on transcript NM_138691.3 (MANE Select); coding-DNA position 250, one base deleted (A; older notation c.250delA).
Protein change: p.Ile84fs; shifts the reading frame from isoleucine 84.
Molecular consequence: frameshift variant.
Genome position (GRCh38, 1-based): chr9:72,700,531, A deleted; the last of 3 consecutive A bases (chr9:72,700,529-72,700,531); deleting any one gives the same sequence. VCF-style (leftmost placement, unchanged base first): chr9-72700528-GA-G. GRCh37 (hg19) VCF-style: chr9-75315444-GA-G.
Other names: c.250delA (NM_138691.3); short protein forms I84fs.
Identifiers: ClinVar variation 3375083 (VCV003375083.1).